The following is an entry in ClinVar:

ClinVar aggregate classification (germline): Uncertain significance (1 of 4 stars; one submission).

Conditions:
Primary ciliary dyskinesia 30. Also called: CILIARY DYSKINESIA, PRIMARY, 30, WITH OR WITHOUT SITUS INVERSUS. Identifiers: Orphanet 244, MedGen C4015016, MONDO:0014465, OMIM 616037.

gnomAD v4.1: 9 of 1,379,438 alleles (0.00065%); highest among the groups gnomAD compares: Middle Eastern, 0.019%; no homozygotes.

Submission:

ARUP Laboratories, Molecular Genetics and Genomics, ARUP Laboratories
Classification: Uncertain significance for Primary ciliary dyskinesia 30. Last evaluated: 2024-04-10. Review status: criteria provided, single submitter. Criteria: ARUP Molecular Germline Variant Investigation Process 2024. Collection method: clinical testing. Allele origin: germline.
Comment: The ODAD3 c.10C>A; p.Pro4Thr variant (rs1047908494), to our knowledge, is not reported in the medical literature or gene specific databases. This variant is found in the non-Finnish European population with an allele frequency of 0.004% (2/49,146 alleles) in the Genome Aggregation Database (v2.1.1). Computational analyses predict that this variant is neutral (REVEL: 0.049). However, given the lack of clinical and functional data, the significance of this variant is uncertain at this time.

NC_000019.10:g.11435762G>T

Genes: ODAD3 (outer dynein arm docking complex subunit 3; minus strand), PRKCSH (PRKCSH beta subunit of glucosidase II; plus strand). Cytogenetic location: 19p13.2.
Variant type: single nucleotide variant.
Molecular consequence: intron variant (on NM_001289104.2). On other transcripts: missense variant (1).
Genome position: GRCh38 VCF-style: chr19-11435762-G-T. GRCh37 (hg19) VCF-style: chr19-11546583-G-T.
Other names: c.10C>A, p.Pro4Thr (NM_001302453.1); c.-78+52G>T (NM_001289103.2, NM_001379609.1, NM_001379608.1); c.-78+56G>T (NM_001289104.2, NM_001001329.3, NM_002743.3); short protein forms P4T.
Identifiers: ClinVar variation 3766554 (VCV003766554.1).